The following is an entry in ClinVar:

ClinVar aggregate classification (germline): Uncertain significance (1 of 4 stars; one submission).

Conditions:
Joubert syndrome 14 (JBTS14). Identifiers: MedGen C3280766, MONDO:0013745, OMIM 614424.

Allele frequency attached by ClinVar (database versions not stated): gnomAD 0.00001; gnomAD exomes 0.00001; TOPMed 0.00001.

Submission:

Labcorp Genetics (formerly Invitae), Labcorp
Classification: Uncertain significance for Joubert syndrome 14. Last evaluated: 2020-08-06. Review status: criteria provided, single submitter. Criteria: Invitae Variant Classification Sherloc (09022015). Collection method: clinical testing. Allele origin: germline.
Comment: Algorithms developed to predict the effect of missense changes on protein structure and function are either unavailable or do not agree on the potential impact of this missense change (SIFT: "Deleterious"; PolyPhen-2: "Probably Damaging"; Align-GVGD: "Class C0"). This sequence change replaces proline with leucine at codon 34 of the TMEM237 protein (p.Pro34Leu). The proline residue is highly conserved and there is a moderate physicochemical difference between proline and leucine. This variant is not present in population databases (ExAC no frequency). This variant has not been reported in the literature in individuals with TMEM237-related conditions. In summary, the available evidence is currently insufficient to determine the role of this variant in disease. Therefore, it has been classified as a Variant of Uncertain Significance.

NM_001044385.3(TMEM237):c.101C>T (p.Pro34Leu)

Gene: TMEM237 (transmembrane protein 237; minus strand). Cytogenetic location: 2q33.1.
Variant type: single nucleotide variant.
Coding change: c.101C>T on transcript NM_001044385.3 (MANE Select); coding-DNA position 101, C replaced by T.
Protein change: p.Pro34Leu; replaces proline 34 with leucine.
Molecular consequence: missense variant.
Genome position (GRCh38, 1-based): chr2:201,639,024, G>A on the plus strand (C>T on the coding strand, the complement: TMEM237 is on the minus strand). VCF-style: chr2-201639024-G-A. GRCh37 (hg19) VCF-style: chr2-202503747-G-A.
Other names: c.77C>T, p.Pro26Leu (NM_152388.4); short protein forms P26L, P34L.
Identifiers: ClinVar variation 1000239 (VCV001000239.8), dbSNP rs1559590115, ClinGen allele CA350316195.